The following is an entry in ClinVar:

NM_000152.5(GAA):c.1106T>A (p.Leu369Gln)

Gene: GAA (alpha glucosidase; plus strand). Cytogenetic location: 17q25.3.
Variant type: single nucleotide variant.
Coding change: c.1106T>A on transcript NM_000152.5 (MANE Select); coding-DNA position 1106, T replaced by A.
Protein change: p.Leu369Gln; replaces leucine 369 with glutamine.
Molecular consequence: missense variant.
Genome position (GRCh38, 1-based): chr17:80,108,519, T>A. VCF-style: chr17-80108519-T-A. GRCh37 (hg19) VCF-style: chr17-78082318-T-A.
Other names: c.1106T>A, p.Leu369Gln (NM_001079803.3, NM_001079804.3, NM_001406741.1 and 1 more transcripts); short protein forms L369Q.
Identifiers: ClinVar variation 1709586 (VCV001709586.3), dbSNP rs2039149745, ClinGen allele CA401364963.
Genomic context (GRCh38, chr17:80,108,519, plus strand): 5'-CTCCCTCATGAAGTCGGCGTTGGCCTGCAGGATACCCGTTCATGCCGCCATACTGGGGCC[T>A]GGGCTTCCACCTGTGCCGCTGGGGCTACTCCTCCACCGCTATCACCCGCCAGGTGGTGGA-3'
Protein context (NP_000143.2, residues 359-379): GYPFMPPYWG[Leu369Gln]GFHLCRWGYS

ClinVar aggregate classification (germline): Conflicting classifications of pathogenicity. Review status: criteria provided, conflicting classifications (1 of 4 stars). 2 submissions from 2 submitters: Likely pathogenic (1); Uncertain significance (1). Last evaluated 2026-07-01.

Conditions:
Glycogen storage disease, type II (IOPD). Also called: POMPE DISEASE, INFANTILE-ONSET; GLYCOGEN STORAGE DISEASE II, INFANTILE-ONSET; ACID ALPHA-GLUCOSIDASE DEFICIENCY, INFANTILE-ONSET; GAA DEFICIENCY, INFANTILE-ONSET; ACID MALTASE DEFICIENCY, INFANTILE-ONSET; Glucosidase acid-1,4-alpha deficiency. Identifiers: Orphanet 365, MedGen C0017921, MONDO:0009290, OMIM 232300.

Submissions (2):

Genomenon, Inc
Classification: Uncertain significance for Glycogen storage disease, type II. Last evaluated: 2026-07-01. Review status: criteria provided, single submitter. Criteria: Genomenon Sequence Variant Interpretation Standards - Updated. Collection method: curation. Allele origin: germline. Affected: no.
Comment: GAA p.Leu369Gln (c.1106T>A) is a missense variant that changes the amino acid at codon 369 from Leucine to Glutamine. This variant has been reported in the published literature (PMID:33560568). The presence of pathogenic/likely pathogenic missense variant(s) at the same amino acid position indicates that this residue is likely important for protein function. It is absent or not present at a significant frequency in gnomAD. In silico models predict that this variant is possibly or probably damaging. In conclusion, we classify GAA p.Leu369Gln (c.1106T>A) as a variant of uncertain significance.

MGZ Medical Genetics Center
Classification: Likely pathogenic for Glycogen storage disease, type II. Last evaluated: 2022-06-24. Review status: criteria provided, single submitter. Criteria: ACMG Guidelines, 2015. Collection method: clinical testing. Allele origin: germline. Affected: yes. Observed: 1 variant allele.
Comment: ACMG criteria applied: PS4_MOD, PM5, PM2_SUP, PP3

Literature cited by the submitters: PubMed 33560568 (cited by Genomenon, Inc).